The following is an entry in ClinVar:

ClinVar aggregate classification (germline): Uncertain significance (1 of 4 stars; one submission).

Conditions:
Inborn genetic diseases. Identifiers: MedGen C0950123, MeSH D030342.

gnomAD v4.1: 10 of 1,614,152 alleles (0.00062%); highest among the groups gnomAD compares: South Asian, 0.011%; no homozygotes.

Submission:

Ambry Genetics
Classification: Uncertain significance for Inborn genetic diseases. Last evaluated: 2024-05-16. Review status: criteria provided, single submitter. Criteria: Ambry Variant Classification Scheme 2023. Collection method: clinical testing. Allele origin: germline.
Comment: The p.P80S variant (also known as c.238C>T), located in coding exon 3 of the ATR gene, results from a C to T substitution at nucleotide position 238. The proline at codon 80 is replaced by serine, an amino acid with similar properties. This amino acid position is conserved. In addition, this alteration is predicted to be deleterious by in silico analysis. Based on the available evidence, the clinical significance of this variant remains unclear.

NM_001184.4(ATR):c.238C>T (p.Pro80Ser)

Gene: ATR (ATR serine/threonine kinase; minus strand). Cytogenetic location: 3q23.
Variant type: single nucleotide variant.
Coding change: c.238C>T on transcript NM_001184.4 (MANE Select); coding-DNA position 238, C replaced by T.
Protein change: p.Pro80Ser; replaces proline 80 with serine.
Molecular consequence: missense variant.
Genome position (GRCh38, 1-based): chr3:142,566,175, G>A on the plus strand (C>T on the coding strand, the complement: ATR is on the minus strand). VCF-style: chr3-142566175-G-A. GRCh37 (hg19) VCF-style: chr3-142285017-G-A.
Other names: c.238C>T, p.Pro80Ser (NM_001354579.2); short protein forms P80S.
Identifiers: ClinVar variation 3330636 (VCV003330636.1).